The following is an entry in ClinVar:

ClinVar aggregate classification (germline): Pathogenic/Likely pathogenic. Review status: criteria provided, multiple submitters, no conflicts (2 of 4 stars). 3 submissions from 3 submitters: Pathogenic (1); Likely pathogenic (2). Last evaluated 2026-04-07.

Conditions:
Hereditary cancer-predisposing syndrome. Also called: Neoplastic Syndromes, Hereditary; Hereditary neoplastic syndrome; Tumor predisposition; Hereditary Cancer Syndrome. Identifiers: Orphanet 140162, MedGen C0027672, MeSH D009386, MONDO:0015356.
Familial cancer of breast. Also called: hereditary breast carcinoma; Hereditary breast cancer; BREAST CANCER, FAMILIAL. Identifiers: Orphanet 227535, MedGen C0346153, MONDO:0016419, OMIM 114480. Disease mechanism: loss of function.
Ataxia-telangiectasia syndrome (AT). Also called: Ataxia telangiectasia (A-T); Cerebello-oculocutaneous telangiectasia; Immunodeficiency with ataxia telangiectasia; LOUIS-BAR SYNDROME; AT, COMPLEMENTATION GROUP C; ATAXIA-TELANGIECTASIA, FRESNO VARIANT. Identifiers: Orphanet 100, MedGen C0004135, MONDO:0008840, OMIM 208900.

Submissions (3):

Ambry Genetics
Classification: Likely pathogenic for Hereditary cancer-predisposing syndrome. Last evaluated: 2026-04-07. Review status: criteria provided, single submitter. Criteria: Ambry Variant Classification Scheme 2023. Collection method: clinical testing. Allele origin: germline.
Comment: The c.7788G>T variant (also known as p.E2596D), located in coding exon 51 of the ATM gene, results from a G to T substitution at nucleotide position 7788. The amino acid change results in glutamic acid to aspartic acid at codon 2596, an amino acid with highly similar properties. However, this change occurs in the last base pair of coding exon 51, which makes it likely to have some effect on normal mRNA splicing. In an assay testing ATM function, this variant showed a functionally indeterminant result (Lee KS et al. Cell, 2025 Sep;188:5081-5099.e27). This variant is considered to be rare based on population cohorts in the Genome Aggregation Database (gnomAD). This nucleotide position is highly conserved in available vertebrate species. In silico splice site analysis predicts that this alteration will weaken the native splice donor site. RNA studies have demonstrated that this variant results in abnormal splicing in the set of samples tested (Ambry internal data). Based on the majority of available evidence to date, this variant is likely to be pathogenic.

Labcorp Genetics (formerly Invitae), Labcorp
Classification: Pathogenic for Ataxia-telangiectasia syndrome. Last evaluated: 2026-01-10. Review status: criteria provided, single submitter. Criteria: Invitae Variant Classification Sherloc (09022015). Collection method: clinical testing. Allele origin: germline.
Comment: This sequence change replaces glutamic acid, which is acidic and polar, with aspartic acid, which is acidic and polar, at codon 2596 of the ATM protein (p.Glu2596Asp). RNA analysis indicates that this missense change induces altered splicing and may result in an absent or altered protein product. This variant is not present in population databases (gnomAD no frequency). This variant has not been reported in the literature in individuals affected with ATM-related conditions. ClinVar contains an entry for this variant (Variation ID: 236779). An algorithm developed to predict the effect of missense changes on protein structure and function (PolyPhen-2) suggests that this variant is likely to be tolerated. Variants that disrupt the consensus splice site are a relatively common cause of aberrant splicing (PMID: 17576681, 9536098). Studies have shown that this missense change results in skipping of exon 52, and produces a non-functional protein and/or introduces a premature termination codon (internal data). This variant disrupts the c.7788G nucleotide in the ATM gene. Other variant(s) that disrupt this nucleotide have been determined to be pathogenic (PMID: 9792409, 26693373; internal data). This suggests that this nucleotide is clinically significant, and that variants that disrupt this position are likely to be disease-causing. For these reasons, this variant has been classified as Pathogenic.

Myriad Genetics, Inc.
Classification: Likely pathogenic for Familial cancer of breast. Last evaluated: 2023-11-22. Review status: criteria provided, single submitter. Criteria: Myriad Autosomal Dominant, Autosomal Recessive and X-Linked Classification Criteria (2023). Collection method: clinical testing. Allele origin: unknown.
Comment: This variant is considered likely pathogenic. mRNA analysis has demonstrated abnormal mRNA splicing occurs [Myriad internal data].

Literature cited by the submitters: PubMed 40580951 (cited by Ambry Genetics); PubMed 17576681 (cited by Labcorp Genetics (formerly Invitae), Labcorp); PubMed 9536098 (cited by Labcorp Genetics (formerly Invitae), Labcorp); PubMed 9792409 (cited by Labcorp Genetics (formerly Invitae), Labcorp); PubMed 26693373 (cited by Labcorp Genetics (formerly Invitae), Labcorp).

NM_000051.4(ATM):c.7788G>T (p.Glu2596Asp)

Genes: ATM (ATM serine/threonine kinase; plus strand), C11orf65 (chromosome 11 open reading frame 65; minus strand). Cytogenetic location: 11q22.3.
Variant type: single nucleotide variant.
Coding change: c.7788G>T on transcript NM_000051.4 (MANE Select); coding-DNA position 7788, G replaced by T.
Protein change: p.Glu2596Asp; replaces glutamic acid 2596 with aspartic acid.
Molecular consequence: missense variant. On other transcripts: intron variant (2).
Genome position (GRCh38, 1-based): chr11:108,332,037, G>T. VCF-style: chr11-108332037-G-T. GRCh37 (hg19) VCF-style: chr11-108202764-G-T.
Other names: c.7788G>T, p.Glu2596Asp (NM_001351834.2); c.641-22966C>A (NM_001330368.2); c.*38+3183C>A (NM_001351110.2); short protein forms E2596D.
Identifiers: ClinVar variation 236779 (VCV000236779.9), dbSNP rs587780639, ClinGen allele CA10582857.